The following is an entry in ClinVar:

NM_133468.5(BMPER):c.-230G>A

Gene: BMPER (BMP binding endothelial regulator; plus strand). Cytogenetic location: 7p14.3.
Variant type: single nucleotide variant.
Coding change: c.-230G>A on transcript NM_133468.5; 230 bases upstream of the start codon, G replaced by A.
Molecular consequence: 5 prime UTR variant.
Genome position (GRCh38, 1-based): chr7:33,905,055, G>A. VCF-style: chr7-33905055-G-A. GRCh37 (hg19) VCF-style: chr7-33944667-G-A.
Identifiers: ClinVar variation 360087 (VCV000360087.7), dbSNP rs189473686, ClinGen allele CA10623883.

ClinVar aggregate classification (germline): Benign (1 of 4 stars; one submission).

Conditions:
Diaphanospondylodysostosis. Also called: VERTEBRAL OSSIFICATION, DEFECT IN, WITH NEPHROGENIC RESTS. Identifiers: Orphanet 66637, MedGen C1842691, MONDO:0011946, OMIM 608022.

Allele frequency attached by ClinVar (database versions not stated): gnomAD 0.01094 and 0.01178; TOPMed 0.01261; gnomAD exomes 0.00033; 1000 Genomes Project 30x 0.01046; 1000 Genomes Project 0.01078.
gnomAD v4.1: 1,644 of 158,294 alleles (1%); highest among the groups gnomAD compares: African/African-American, 3.7%; 42 homozygotes.

Submission:

Illumina Laboratory Services, Illumina
Classification: Benign for Diaphanospondylodysostosis. Last evaluated: 2018-01-13. Review status: criteria provided, single submitter. Criteria: ICSL Variant Classification Criteria 13 December 2019. Collection method: clinical testing. Allele origin: germline.
Comment: This variant was observed in the ICSL laboratory as part of a predisposition screen in an ostensibly healthy population. It had not been previously curated by ICSL or reported in the Human Gene Mutation Database (HGMD: prior to June 1st, 2018), and was therefore a candidate for classification through an automated scoring system. Utilizing variant allele frequency, disease prevalence and penetrance estimates, and inheritance mode, an automated score was calculated to assess if this variant is too frequent to cause the disease. Based on the score and internal cut-off values, a variant classified as benign is not then subjected to further curation. The score for this variant resulted in a classification of benign for this disease.